The following is an entry in ClinVar:

ClinVar aggregate classification (germline): Likely benign. Review status: criteria provided, multiple submitters, no conflicts (2 of 4 stars). 3 submissions from 3 submitters: Likely benign (3). Last evaluated 2026-07-27.

Conditions:
Deficiency of UDPglucose-hexose-1-phosphate uridylyltransferase. Also called: GALACTOSE-1-PHOSPHATE URIDYLYLTRANSFERASE DEFICIENCY; GALT deficiency; Galactosemia, classic; Transferase Deficiency Galactosemia; GALACTOSEMIA I. Identifiers: Orphanet 352, Orphanet 79239, MedGen C0268151, MONDO:0009258, OMIM 230400.
GALT-related disorder. Also called: GALT-related condition.

Allele frequency attached by ClinVar (database versions not stated): gnomAD exomes 0.00003 and 0.00004; TOPMed 0.00003; ExAC 0.00004; gnomAD 0.00004; ESP Exome Variant Server 0.00015.
gnomAD v4.1: 64 of 1,614,044 alleles (0.004%); highest among the groups gnomAD compares: Non-Finnish European, 0.0047%; no homozygotes.

Submissions (3):

PreventionGenetics, part of Exact Sciences
Classification: Likely benign for GALT-related condition. Last evaluated: 2026-07-27. Review status: criteria provided, single submitter. Criteria: ACMG Guidelines, 2015. Collection method: clinical testing. Allele origin: germline.
Comment: This variant is classified as likely benign based on ACMG/AMP sequence variant interpretation guidelines (Richards et al. 2015 PMID: 25741868, with internal and published modifications).

Labcorp Genetics (formerly Invitae), Labcorp
Classification: Likely benign for Deficiency of UDPglucose-hexose-1-phosphate uridylyltransferase. Last evaluated: 2024-01-13. Review status: criteria provided, single submitter. Criteria: Invitae Variant Classification Sherloc (09022015). Collection method: clinical testing. Allele origin: germline.

Breakthrough Genomics
Classification: Likely benign. Review status: criteria provided, single submitter. Criteria: ACMG Guidelines, 2015. Collection method: not provided. Allele origin: germline. Inheritance: Autosomal recessive inheritance. Affected: yes.

NM_000155.4(GALT):c.459A>G (p.Ala153=)

Gene: GALT (galactose-1-phosphate uridylyltransferase; plus strand). Cytogenetic location: 9p13.3.
Variant type: single nucleotide variant.
Coding change: c.459A>G on transcript NM_000155.4 (MANE Select); coding-DNA position 459, A replaced by G.
Protein change: p.Ala153=; no amino-acid change (alanine 153 retained).
Molecular consequence: synonymous variant.
Genome position (GRCh38, 1-based): chr9:34,647,913, A>G. VCF-style: chr9-34647913-A-G. GRCh37 (hg19) VCF-style: chr9-34647910-A-G.
Other names: c.132A>G, p.Ala44= (NM_001258332.2).
Identifiers: ClinVar variation 721672 (VCV000721672.13), dbSNP rs141498518, ClinGen allele CA5036128.